The following is an entry in ClinVar:

NM_001122681.2(SH3BP2):c.*2342C>T

Gene: SH3BP2 (SH3 domain binding protein 2; plus strand). Cytogenetic location: 4p16.3.
Variant type: single nucleotide variant.
Coding change: c.*2342C>T on transcript NM_001122681.2 (MANE Select); 2342 bases downstream of the stop codon, C replaced by T.
Molecular consequence: 3 prime UTR variant.
Genome position (GRCh38, 1-based): chr4:2,836,176, C>T. VCF-style: chr4-2836176-C-T. GRCh37 (hg19) VCF-style: chr4-2837903-C-T.
Other names: c.*2342C>T (LRG_1334t1, LRG_1334t2, NM_001145855.2 and 2 more transcripts).
Identifiers: ClinVar variation 348630 (VCV000348630.5), dbSNP rs75702090, ClinGen allele CA10617690.
Genomic context (GRCh38, chr4:2,836,176, plus strand): 5'-CCAACTGGACAGTTGAGGCCTGTGGTTACCCGAAGCCCAGCTGGGGCCCTGGTCCAGCCT[C>T]GCCTCCCAGACTCTGCACCTGCTAGCACAGCTGTCCACGTCTGTGTGAGCTGCTCTAGGC-3'

ClinVar aggregate classification (germline): Benign (1 of 4 stars; one submission).

Conditions:
Fibrous dysplasia of jaw (CRBM). Also called: Cherubism. Identifiers: Orphanet 184, MedGen C0008029, MONDO:0007315, OMIM 118400.

Allele frequency attached by ClinVar (database versions not stated): gnomAD 0.03306 and 0.03099; 1000 Genomes Project 0.03494; TOPMed 0.03527; 1000 Genomes Project 30x 0.03732.

Submission:

Illumina Laboratory Services, Illumina
Classification: Benign for Fibrous dysplasia of jaw. Last evaluated: 2018-01-13. Review status: criteria provided, single submitter. Criteria: ICSL Variant Classification Criteria 13 December 2019. Collection method: clinical testing. Allele origin: germline.
Comment: This variant was observed in the ICSL laboratory as part of a predisposition screen in an ostensibly healthy population. It had not been previously curated by ICSL or reported in the Human Gene Mutation Database (HGMD: prior to June 1st, 2018), and was therefore a candidate for classification through an automated scoring system. Utilizing variant allele frequency, disease prevalence and penetrance estimates, and inheritance mode, an automated score was calculated to assess if this variant is too frequent to cause the disease. Based on the score and internal cut-off values, a variant classified as benign is not then subjected to further curation. The score for this variant resulted in a classification of benign for this disease.